The following is an entry in ClinVar:

ClinVar aggregate classification (germline): Pathogenic (1 of 4 stars; one submission).

Conditions:
Familial cancer of breast. Also called: Hereditary breast cancer; BREAST CANCER, FAMILIAL; hereditary breast carcinoma. Identifiers: Orphanet 227535, MedGen C0346153, MONDO:0016419, OMIM 114480. Disease mechanism: loss of function.

Submission:

Myriad Genetics, Inc.
Classification: Pathogenic for Familial cancer of breast. Last evaluated: 2023-09-07. Review status: criteria provided, single submitter. Criteria: Myriad Autosomal Dominant, Autosomal Recessive and X-Linked Classification Criteria (2023). Collection method: clinical testing. Allele origin: unknown.
Comment: This variant is considered pathogenic. This variant creates a frameshift predicted to result in premature protein truncation.

NM_024675.4(PALB2):c.1068dup (p.Ser357fs)

Gene: PALB2 (partner and localizer of BRCA2; minus strand). Cytogenetic location: 16p12.2.
Variant type: Duplication.
Coding change: c.1068dup on transcript NM_024675.4 (MANE Select); coding-DNA position 1068, one base duplicated (A; older notation c.1068dupA).
Protein change: p.Ser357fs; shifts the reading frame from serine 357.
Molecular consequence: frameshift variant. On other transcripts: intron variant (3).
Genome position (GRCh38, 1-based): chr16:23,635,478, T duplicated on the plus strand (A on the coding strand, the reverse complement: PALB2 is on the minus strand); the first of 4 consecutive T bases (chr16:23,635,478-23,635,481); duplicating any one gives the same sequence. VCF-style (leftmost placement, unchanged base first): chr16-23635477-A-AT. GRCh37 (hg19) VCF-style: chr16-23646798-A-AT.
Other names: c.1008dup, p.Ser337fs (NM_001407296.1); c.1068dup, p.Ser357fs (NM_001407297.1, NM_001407298.1, NM_001407299.1 and 3 more transcripts); c.183dup, p.Ser62fs (NM_001407304.1, NM_001407305.1, NM_001407306.1 and 5 more transcripts); c.48+5632dup (NM_001407314.1); c.-104-5009dup (NM_001407313.1, NM_001407312.1); short protein forms S337fs, S357fs, S62fs.
Identifiers: ClinVar variation 2674049 (VCV002674049.1), dbSNP rs2142426861, ClinGen allele CA2695197514.